The following is an entry in ClinVar:

NM_000883.4(IMPDH1):c.437T>C (p.Leu146Pro)

Gene: IMPDH1 (inosine monophosphate dehydrogenase 1; minus strand). Cytogenetic location: 7q32.1.
Variant type: single nucleotide variant.
Coding change: c.437T>C on transcript NM_000883.4 (MANE Select); coding-DNA position 437, T replaced by C.
Protein change: p.Leu146Pro; replaces leucine 146 with proline.
Molecular consequence: missense variant.
Genome position (GRCh38, 1-based): chr7:128,401,082, A>G on the plus strand (T>C on the coding strand, the complement: IMPDH1 is on the minus strand). VCF-style: chr7-128401082-A-G. GRCh37 (hg19) VCF-style: chr7-128041136-A-G.
Other names: c.407T>C, p.Leu136Pro (NM_001102605.2); c.182T>C, p.Leu61Pro (NM_001142573.2, NM_001142574.2, NM_001142575.2); c.338T>C, p.Leu113Pro (NM_001142576.2); c.230T>C, p.Leu77Pro (NM_001304521.2); c.329T>C, p.Leu110Pro (NM_183243.3); short protein forms L110P, L113P, L136P, L146P, L61P, L77P.
Identifiers: ClinVar variation 1064398 (VCV001064398.10), dbSNP rs2116670061, ClinGen allele CA369174548.

ClinVar aggregate classification (germline): Uncertain significance (1 of 4 stars; one submission).

Submission:

Labcorp Genetics (formerly Invitae), Labcorp
Classification: Uncertain significance. Last evaluated: 2022-09-27. Review status: criteria provided, single submitter. Criteria: Invitae Variant Classification Sherloc (09022015). Collection method: clinical testing. Allele origin: germline.
Comment: In summary, the available evidence is currently insufficient to determine the role of this variant in disease. Therefore, it has been classified as a Variant of Uncertain Significance. Algorithms developed to predict the effect of missense changes on protein structure and function (SIFT, PolyPhen-2, Align-GVGD) all suggest that this variant is likely to be disruptive. ClinVar contains an entry for this variant (Variation ID: 1064398). This variant has not been reported in the literature in individuals affected with IMPDH1-related conditions. This variant is not present in population databases (gnomAD no frequency). This sequence change replaces leucine, which is neutral and non-polar, with proline, which is neutral and non-polar, at codon 146 of the IMPDH1 protein (p.Leu146Pro).